The following is an entry in ClinVar:

NM_020754.4(ARHGAP31):c.3965T>C (p.Leu1322Pro)

Gene: ARHGAP31 (Rho GTPase activating protein 31; plus strand). Cytogenetic location: 3q13.33.
Variant type: single nucleotide variant.
Coding change: c.3965T>C on transcript NM_020754.4 (MANE Select); coding-DNA position 3965, T replaced by C.
Protein change: p.Leu1322Pro; replaces leucine 1322 with proline.
Molecular consequence: missense variant.
Genome position (GRCh38, 1-based): chr3:119,415,894, T>C. VCF-style: chr3-119415894-T-C. GRCh37 (hg19) VCF-style: chr3-119134741-T-C.
Other names: short protein forms L1322P.
Identifiers: ClinVar variation 1446741 (VCV001446741.8), dbSNP rs910269003, ClinGen allele CA81698684.

ClinVar aggregate classification (germline): Uncertain significance. Review status: criteria provided, multiple submitters, no conflicts (2 of 4 stars). 2 submissions from 2 submitters: Uncertain significance (2). Last evaluated 2025-11-13.

Allele frequency attached by ClinVar (database versions not stated): gnomAD exomes below 0.00001.

Submissions (2):

Dasa
Classification: Uncertain significance. Last evaluated: 2025-11-13. Review status: criteria provided, single submitter. Criteria: DASA Assertion Criteria. Collection method: clinical testing. Allele origin: germline.
Comment: NM_020754.4(ARHGAP31):c.3965T>C (p.Leu1322Pro) is a missense variant that results in the substitution of leucine with proline. This variant is rare in population databases. Computational prediction algorithms are consistent with a benign effect. The currently available literature and clinical evidence are not sufficient to establish a definitive association between this variant and the reported condition. Therefore, this variant is classified as a variant of uncertain significance.

Labcorp Genetics (formerly Invitae), Labcorp
Classification: Uncertain significance. Last evaluated: 2024-10-22. Review status: criteria provided, single submitter. Criteria: Invitae Variant Classification Sherloc (09022015). Collection method: clinical testing. Allele origin: germline.
Comment: This sequence change replaces leucine, which is neutral and non-polar, with proline, which is neutral and non-polar, at codon 1322 of the ARHGAP31 protein (p.Leu1322Pro). This variant is not present in population databases (gnomAD no frequency). This variant has not been reported in the literature in individuals affected with ARHGAP31-related conditions. ClinVar contains an entry for this variant (Variation ID: 1446741). An algorithm developed to predict the effect of missense changes on protein structure and function (PolyPhen-2) suggests that this variant is likely to be disruptive. In summary, the available evidence is currently insufficient to determine the role of this variant in disease. Therefore, it has been classified as a Variant of Uncertain Significance.